The following is an entry in ClinVar:

ClinVar aggregate classification (germline): Uncertain significance (1 of 4 stars; one submission).

Conditions:
Inborn genetic diseases. Identifiers: MedGen C0950123, MeSH D030342.

Submission:

Ambry Genetics
Classification: Uncertain significance for Inborn genetic diseases. Last evaluated: 2021-09-02. Review status: criteria provided, single submitter. Criteria: Ambry Variant Classification Scheme 2023. Collection method: clinical testing. Allele origin: germline.
Comment: The p.D161G variant (also known as c.482A>G), located in coding exon 5 of the EPAS1 gene, results from an A to G substitution at nucleotide position 482. The aspartic acid at codon 161 is replaced by glycine, an amino acid with similar properties. This amino acid position is conserved. In addition, this alteration is predicted to be tolerated by in silico analysis. Since supporting evidence is limited at this time, the clinical significance of this alteration remains unclear.

NM_001430.5(EPAS1):c.482A>G (p.Asp161Gly)

Genes: EPAS1 (endothelial PAS domain protein 1; plus strand), LOC126806210 (BRD4-independent group 4 enhancer GRCh37_chr2:46587586-46588785; plus strand). Cytogenetic location: 2p21.
Variant type: single nucleotide variant.
Coding change: c.482A>G on transcript NM_001430.5 (MANE Select); coding-DNA position 482, A replaced by G.
Protein change: p.Asp161Gly; replaces aspartic acid 161 with glycine.
Molecular consequence: missense variant.
Genome position (GRCh38, 1-based): chr2:46,360,665, A>G. VCF-style: chr2-46360665-A-G. GRCh37 (hg19) VCF-style: chr2-46587804-A-G.
Other names: short protein forms D161G.
Identifiers: ClinVar variation 1743404 (VCV001743404.2), dbSNP rs2546454890, ClinGen allele CA346699021.